The following is an entry in ClinVar:

NM_201253.3(CRB1):c.3100T>C (p.Trp1034Arg)

Gene: CRB1 (crumbs cell polarity complex component 1; plus strand). Cytogenetic location: 1q31.3.
Variant type: single nucleotide variant.
Coding change: c.3100T>C on transcript NM_201253.3 (MANE Select); coding-DNA position 3100, T replaced by C.
Protein change: p.Trp1034Arg; replaces tryptophan 1034 with arginine.
Molecular consequence: missense variant. On other transcripts: non-coding transcript variant (2), intron variant (1).
Genome position (GRCh38, 1-based): chr1:197,434,963, T>C. VCF-style: chr1-197434963-T-C. GRCh37 (hg19) VCF-style: chr1-197404093-T-C.
Other names: c.2764T>C, p.Trp922Arg (NM_001193640.2); c.3028T>C, p.Trp1010Arg (NM_001257965.2); c.2129-637T>C (NM_001257966.2); short protein forms W1034R, W922R, W1010R.
Identifiers: ClinVar variation 866382 (VCV000866382.13), dbSNP rs1665062132, ClinGen allele CA344045480.

ClinVar aggregate classification (germline): Uncertain significance. Review status: criteria provided, multiple submitters, no conflicts (2 of 4 stars). 5 submissions from 3 submitters: Uncertain significance (5). Last evaluated 2023-08-17.

Conditions:
Pigmented paravenous retinochoroidal atrophy. Identifiers: Orphanet 251295, MedGen C1868310, MONDO:0008246, OMIM 172870.
Retinitis pigmentosa 12 (RP12). Also called: RP WITH OR WITHOUT PPRPE; RP WITH OR WITHOUT PRESERVED PARAARTERIOLE RETINAL PIGMENT EPITHELIUM; RETINITIS PIGMENTOSA WITH OR WITHOUT PARAARTERIOLAR PRESERVATION OF RETINAL PIGMENT EPITHELIUM. Identifiers: Orphanet 791, MedGen C1838647, MONDO:0010818, OMIM 600105.
Leber congenital amaurosis 8 (LCA8). Identifiers: Orphanet 65, MedGen C3151202, MONDO:0013453, OMIM 613835.

Submissions (5):

Labcorp Genetics (formerly Invitae), Labcorp
Classification: Uncertain significance for Leber congenital amaurosis 8; Retinitis pigmentosa 12. Last evaluated: 2023-08-17. Review status: criteria provided, single submitter. Criteria: Invitae Variant Classification Sherloc (09022015). Collection method: clinical testing. Allele origin: germline.
Comment: This sequence change replaces tryptophan, which is neutral and slightly polar, with arginine, which is basic and polar, at codon 1034 of the CRB1 protein (p.Trp1034Arg). In summary, the available evidence is currently insufficient to determine the role of this variant in disease. Therefore, it has been classified as a Variant of Uncertain Significance. Advanced modeling of protein sequence and biophysical properties (such as structural, functional, and spatial information, amino acid conservation, physicochemical variation, residue mobility, and thermodynamic stability) has been performed at Invitae for this missense variant, however the output from this modeling did not meet the statistical confidence thresholds required to predict the impact of this variant on CRB1 protein function. ClinVar contains an entry for this variant (Variation ID: 866382). This missense change has been observed in individual(s) with clinical features of CRB1-related conditions (Invitae). This variant is not present in population databases (gnomAD no frequency).

Genome-Nilou Lab
Classification: Uncertain significance for Leber congenital amaurosis 8. Last evaluated: 2023-04-11. Review status: criteria provided, single submitter. Criteria: ACMG Guidelines, 2015. Collection method: clinical testing. Allele origin: germline. Affected: no.

Genome-Nilou Lab
Classification: Uncertain significance for Pigmented paravenous retinochoroidal atrophy. Last evaluated: 2023-04-11. Review status: criteria provided, single submitter. Criteria: ACMG Guidelines, 2015. Collection method: clinical testing. Allele origin: germline. Affected: no.

Genome-Nilou Lab
Classification: Uncertain significance for Retinitis pigmentosa 12. Last evaluated: 2023-04-11. Review status: criteria provided, single submitter. Criteria: ACMG Guidelines, 2015. Collection method: clinical testing. Allele origin: germline. Affected: no.

Blueprint Genetics
Classification: Uncertain significance. Last evaluated: 2019-06-29. Review status: criteria provided, single submitter. Criteria: ACMG Guidelines, 2015. Collection method: clinical testing. Allele origin: germline.